The following is an entry in ClinVar:

NM_004994.3(MMP9):c.1468_1491del (p.Ser490_Pro497del)

Gene: MMP9 (matrix metallopeptidase 9; plus strand). Cytogenetic location: 20q13.12.
Variant type: Deletion.
Coding change: c.1468_1491del on transcript NM_004994.3 (MANE Select); coding-DNA positions 1468 to 1491, 24 bases deleted (TCAGCTGGCCCCACAGGTCCCCCC).
Protein change: p.Ser490_Pro497del.
Molecular consequence: inframe deletion.
Genome position (GRCh38, 1-based): chr20:46,013,392-46,013,415, TCAGCTGGCCCCACAGGTCCCCCC deleted; deleting any 24 consecutive bases within chr20:46,013,369-46,013,415 gives the same sequence; the c. name uses the placement nearest the transcript's 3' end. VCF-style (leftmost placement, unchanged base first): chr20-46013368-ACAGCTGGCCCCACAGGTCCCCCCT-A. GRCh37 (hg19) VCF-style: chr20-44642007-ACAGCTGGCCCCACAGGTCCCCCCT-A.
Other names: c.1468_1491delTCAGCTGGCCCCACAGGTCCCCCC (NM_004994.2).
Identifiers: ClinVar variation 423424 (VCV000423424.8), dbSNP rs761086664, ClinGen allele CA9886748.

ClinVar aggregate classification (germline): Uncertain significance. Review status: criteria provided, multiple submitters, no conflicts (2 of 4 stars). 2 submissions from 2 submitters: Uncertain significance (2). Last evaluated 2025-10-13.

Submissions (2):

Labcorp Genetics (formerly Invitae), Labcorp
Classification: Uncertain significance. Last evaluated: 2025-10-13. Review status: criteria provided, single submitter. Criteria: Invitae Variant Classification Sherloc (09022015). Collection method: clinical testing. Allele origin: germline.
Comment: This variant, c.1468_1491del, results in the deletion of 8 amino acid(s) of the MMP9 protein (p.Ser490_Pro497del), but otherwise preserves the integrity of the reading frame. This variant is present in population databases (rs761086664, gnomAD 0.05%). This variant has not been reported in the literature in individuals affected with MMP9-related conditions. ClinVar contains an entry for this variant (Variation ID: 423424). Experimental studies and prediction algorithms are not available or were not evaluated, and the functional significance of this variant is currently unknown. In summary, the available evidence is currently insufficient to determine the role of this variant in disease. Therefore, it has been classified as a Variant of Uncertain Significance.

GeneDx
Classification: Uncertain significance. Last evaluated: 2017-02-14. Review status: criteria provided, single submitter. Criteria: GeneDx Variant Classification (06012015). Collection method: clinical testing. Allele origin: germline. Affected: yes.
Comment: The c.1468_1491del24 variant in the MMP9 gene has not been reported previously as a pathogenic variant, nor as a benign variant, to our knowledge. This variant causes an in framedeletion of 8 amino acid residues, denoted p.Ser490_Pro497del. The c.1468_1491del24 variant is not observed at a significant frequency in large population cohorts (Lek et al., 2016; 1000 Genomes Consortium et al., 2015; Exome Variant Server). We interpret c.1468_1491del24 as a variant of uncertain significance.